The following is an entry in ClinVar:

NM_015937.6(PIGT):c.458C>T (p.Pro153Leu)

Gene: PIGT (phosphatidylinositol glycan anchor biosynthesis class T; plus strand). Cytogenetic location: 20q13.12.
Variant type: single nucleotide variant.
Coding change: c.458C>T on transcript NM_015937.6 (MANE Select); coding-DNA position 458, C replaced by T.
Protein change: p.Pro153Leu; replaces proline 153 with leucine.
Molecular consequence: missense variant. On other transcripts: non-coding transcript variant (3), intron variant (2).
Genome position (GRCh38, 1-based): chr20:45,418,944, C>T. VCF-style: chr20-45418944-C-T. GRCh37 (hg19) VCF-style: chr20-44047584-C-T.
Other names: c.458C>T, p.Pro153Leu (NM_001184729.3); c.326-351C>T (NM_001184728.3); c.188-351C>T (NM_001184730.3); short protein forms P153L.
Identifiers: ClinVar variation 1996179 (VCV001996179.4), dbSNP rs2515527294, ClinGen allele CA409166728.

ClinVar aggregate classification (germline): Uncertain significance (1 of 4 stars; one submission).

Conditions:
Multiple congenital anomalies-hypotonia-seizures syndrome 3 (MCAHS3). Also called: GLYCOSYLPHOSPHATIDYLINOSITOL BIOSYNTHESIS DEFECT 7. Identifiers: Orphanet 369837, MedGen C3809356, MONDO:0014165, OMIM 615398.

Submission:

Labcorp Genetics (formerly Invitae), Labcorp
Classification: Uncertain significance for Multiple congenital anomalies-hypotonia-seizures syndrome 3. Last evaluated: 2022-06-17. Review status: criteria provided, single submitter. Criteria: Invitae Variant Classification Sherloc (09022015). Collection method: clinical testing. Allele origin: germline.
Comment: This sequence change replaces proline, which is neutral and non-polar, with leucine, which is neutral and non-polar, at codon 153 of the PIGT protein (p.Pro153Leu). This variant is not present in population databases (gnomAD no frequency). This variant has not been reported in the literature in individuals affected with PIGT-related conditions. Algorithms developed to predict the effect of missense changes on protein structure and function are either unavailable or do not agree on the potential impact of this missense change (SIFT: "Deleterious"; PolyPhen-2: "Probably Damaging"; Align-GVGD: "Class C0"). In summary, the available evidence is currently insufficient to determine the role of this variant in disease. Therefore, it has been classified as a Variant of Uncertain Significance.